The following is an entry in ClinVar:

ClinVar aggregate classification (germline): Uncertain significance (1 of 4 stars; one submission).

Submission:

GeneDx
Classification: Uncertain significance. Last evaluated: 2023-02-05. Review status: criteria provided, single submitter. Criteria: GeneDx Variant Classification Process June 2021. Collection method: clinical testing. Allele origin: germline. Affected: yes.
Comment: Not observed at significant frequency in large population cohorts (gnomAD); In silico analysis supports that this missense variant does not alter protein structure/function; Has not been previously published as pathogenic or benign to our knowledge

NM_012309.5(SHANK2):c.3801G>T (p.Gln1267His)

Gene: SHANK2 (SH3 and multiple ankyrin repeat domains 2; minus strand). Cytogenetic location: 11q13.3.
Variant type: single nucleotide variant.
Coding change: c.3801G>T on transcript NM_012309.5 (MANE Select); coding-DNA position 3801, G replaced by T.
Protein change: p.Gln1267His; replaces glutamine 1267 with histidine.
Molecular consequence: missense variant.
Genome position (GRCh38, 1-based): chr11:70,486,492, C>A on the plus strand (G>T on the coding strand, the complement: SHANK2 is on the minus strand). VCF-style: chr11-70486492-C-A. GRCh37 (hg19) VCF-style: chr11-70332597-C-A.
Other names: c.2664G>T, p.Gln888His (NM_001379226.1); c.2037G>T, p.Gln679His (NM_133266.5); short protein forms Q1267H, Q679H, Q888H.
Identifiers: ClinVar variation 3342803 (VCV003342803.1).